The following is an entry in ClinVar:

ClinVar aggregate classification (germline): Uncertain significance (1 of 4 stars; one submission).

Conditions:
Charcot-Marie-Tooth disease axonal type 2Z. Also called: CHARCOT-MARIE-TOOTH DISEASE, AXONAL, AUTOSOMAL DOMINANT, TYPE 2Z; CHARCOT-MARIE-TOOTH NEUROPATHY, TYPE 2Z. Identifiers: Orphanet 466768, MedGen C5569025, MONDO:0014736, OMIM 616688.

Submission:

Labcorp Genetics (formerly Invitae), Labcorp
Classification: Uncertain significance for Charcot-Marie-Tooth disease axonal type 2Z. Last evaluated: 2019-12-17. Review status: criteria provided, single submitter. Criteria: Invitae Variant Classification Sherloc (09022015). Collection method: clinical testing. Allele origin: germline.
Comment: In summary, the available evidence is currently insufficient to determine the role of this variant in disease. Therefore, it has been classified as a Variant of Uncertain Significance. Algorithms developed to predict the effect of missense changes on protein structure and function are either unavailable or do not agree on the potential impact of this missense change (SIFT: "Tolerated"; PolyPhen-2: "Possibly Damaging"; Align-GVGD: "Class C0"). This sequence change replaces lysine with threonine at codon 694 of the MORC2 protein (p.Lys694Thr). The lysine residue is moderately conserved and there is a moderate physicochemical difference between lysine and threonine. This variant has not been reported in the literature in individuals with MORC2-related conditions. This variant is not present in population databases (ExAC no frequency).

NM_001303256.3(MORC2):c.2267A>C (p.Lys756Thr)

Gene: MORC2 (MORC family CW-type zinc finger 2; minus strand). Cytogenetic location: 22q12.2.
Variant type: single nucleotide variant.
Coding change: c.2267A>C on transcript NM_001303256.3 (MANE Select); coding-DNA position 2267, A replaced by C.
Protein change: p.Lys756Thr; replaces lysine 756 with threonine.
Molecular consequence: missense variant.
Genome position (GRCh38, 1-based): chr22:30,934,118, T>G on the plus strand (A>C on the coding strand, the complement: MORC2 is on the minus strand). VCF-style: chr22-30934118-T-G. GRCh37 (hg19) VCF-style: chr22-31330105-T-G.
Other names: c.2267A>C, p.Lys756Thr (NM_001303257.2); c.2081A>C, p.Lys694Thr (NM_014941.3); short protein forms K694T, K756T.
Identifiers: ClinVar variation 849768 (VCV000849768.12), dbSNP rs2040618367, ClinGen allele CA411234213.